The following is an entry in ClinVar:

NM_004646.4(NPHS1):c.2609_2610delinsGCAGGTATAAGAGACAGT (p.Asn870fs)

Gene: NPHS1 (NPHS1 adhesion molecule, nephrin; minus strand). Cytogenetic location: 19q13.12.
Variant type: Indel.
Coding change: c.2609_2610delinsGCAGGTATAAGAGACAGT on transcript NM_004646.4 (MANE Select); coding-DNA positions 2609 to 2610, AC replaced by GCAGGTATAAGAGACAGT.
Protein change: p.Asn870fs; shifts the reading frame from asparagine 870.
Molecular consequence: frameshift variant.
Genome position (GRCh38, 1-based): chr19:35,842,177-35,842,178, GT replaced by ACTGTCTCTTATACCTGC on the plus strand (AC replaced by GCAGGTATAAGAGACAGT on the coding strand, the reverse complement: NPHS1 is on the minus strand). VCF-style: chr19-35842177-GT-ACTGTCTCTTATACCTGC. GRCh37 (hg19) VCF-style: chr19-36333079-GT-ACTGTCTCTTATACCTGC.
Other names: short protein forms N870fs.
Identifiers: ClinVar variation 5011738 (VCV005011738.1).
Genomic context (GRCh38, chr19:35,842,177, plus strand): 5'-GGCTCACCTGGGATCTTGGAGATCCAGAGGGACCCCGTTTTTTGTCCAAGTGAAAACGAT[GT>ACTGTCTCTTATACCTGC]TGGGGACACCTCGGGCACGGCAGTGGAGGGTGGCAGAACTGGTGCTGTCTCCAGCTGCAG-3'

ClinVar aggregate classification (germline): Pathogenic (1 of 4 stars; one submission).

Conditions:
Finnish congenital nephrotic syndrome (NPHS1). Also called: NEPHROTIC SYNDROME, TYPE 1. Identifiers: Orphanet 839, MedGen C0403399, MONDO:0009732, OMIM 256300.

Submission:

Myriad Genetics, Inc.
Classification: Pathogenic for Finnish congenital nephrotic syndrome. Last evaluated: 2023-09-27. Review status: criteria provided, single submitter. Criteria: Myriad Autosomal Dominant, Autosomal Recessive and X-Linked Classification Criteria (2023). Collection method: clinical testing. Allele origin: unknown.
Comment: NM_004646.3(NPHS1):c.2609_2610del2ins18(N870Sfs*78) is expected to be pathogenic in the context of nephrotic syndrome, NPHS1-related. This variant is predicted to lead to an abnormal or absent protein product due to the creation of a premature termination codon in NPHS1, a gene where loss-of-function variants are known to be pathogenic. Please note: this variant was assessed in the context of healthy population screening.